The following is an entry in ClinVar:

ClinVar aggregate classification (germline): Uncertain significance. Review status: criteria provided, multiple submitters, no conflicts (2 of 4 stars). 2 submissions from 2 submitters: Uncertain significance (2). Last evaluated 2024-08-21.

Conditions:
Granulomatous disease, chronic, autosomal recessive, cytochrome b-positive, type 3. Also called: Granulomatous disease, chronic, autosomal recessive, cytochrome b-positive, type III; GRANULOMATOUS DISEASE, CHRONIC, DUE TO NCF4 DEFICIENCY; GRANULOMATOUS DISEASE, CHRONIC, AUTOSOMAL RECESSIVE, 3; CGD, AUTOSOMAL RECESSIVE CYTOCHROME b-POSITIVE, TYPE III. Identifiers: Orphanet 379, MedGen C3151409, MONDO:0013507, OMIM 613960.

Allele frequency attached by ClinVar (database versions not stated): gnomAD exomes below 0.00001; TOPMed below 0.00001.

Submissions (2):

Ambry Genetics
Classification: Uncertain significance. Last evaluated: 2024-08-21. Review status: criteria provided, single submitter. Criteria: Ambry Variant Classification Scheme 2023. Collection method: clinical testing. Allele origin: germline.

Labcorp Genetics (formerly Invitae), Labcorp
Classification: Uncertain significance for Granulomatous disease, chronic, autosomal recessive, cytochrome b-positive, type 3. Last evaluated: 2022-03-10. Review status: criteria provided, single submitter. Criteria: Invitae Variant Classification Sherloc (09022015). Collection method: clinical testing. Allele origin: germline.
Comment: This sequence change replaces threonine, which is neutral and polar, with isoleucine, which is neutral and non-polar, at codon 36 of the NCF4 protein (p.Thr36Ile). This variant is not present in population databases (gnomAD no frequency). This variant has not been reported in the literature in individuals affected with NCF4-related conditions. Algorithms developed to predict the effect of missense changes on protein structure and function are either unavailable or do not agree on the potential impact of this missense change (SIFT: "Tolerated"; PolyPhen-2: "Probably Damaging"; Align-GVGD: "Class C0"). In summary, the available evidence is currently insufficient to determine the role of this variant in disease. Therefore, it has been classified as a Variant of Uncertain Significance.

NM_000631.5(NCF4):c.107C>T (p.Thr36Ile)

Genes: NCF4 (neutrophil cytosolic factor 4; plus strand), NCF4-AS1 (NCF4 antisense RNA 1; minus strand). Cytogenetic location: 22q12.3.
Variant type: single nucleotide variant.
Coding change: c.107C>T on transcript NM_000631.5 (MANE Select); coding-DNA position 107, C replaced by T.
Protein change: p.Thr36Ile; replaces threonine 36 with isoleucine.
Molecular consequence: missense variant.
Genome position (GRCh38, 1-based): chr22:36,864,119, C>T. VCF-style: chr22-36864119-C-T. GRCh37 (hg19) VCF-style: chr22-37260161-C-T.
Other names: c.107C>T, p.Thr36Ile (NM_013416.4); short protein forms T36I.
Identifiers: ClinVar variation 1935804 (VCV001935804.3), dbSNP rs1939860402, ClinGen allele CA411377209.